The following is an entry in ClinVar:

NM_016507.4(CDK12):c.3785C>G (p.Pro1262Arg)

Gene: CDK12 (cyclin dependent kinase 12; plus strand). Cytogenetic location: 17q12.
Variant type: single nucleotide variant.
Coding change: c.3785C>G on transcript NM_016507.4 (MANE Select); coding-DNA position 3785, C replaced by G.
Protein change: p.Pro1262Arg; replaces proline 1262 with arginine.
Molecular consequence: missense variant. On other transcripts: intron variant (1).
Genome position (GRCh38, 1-based): chr17:39,530,628, C>G. VCF-style: chr17-39530628-C-G. GRCh37 (hg19) VCF-style: chr17-37686881-C-G.
Other names: c.3761-3C>G (NM_015083.4); short protein forms P1262R.
Identifiers: ClinVar variation 3999274 (VCV003999274.1).

ClinVar aggregate classification (germline): Uncertain significance (1 of 4 stars; one submission).

gnomAD v4.1: 1 of 1,602,946 alleles (0.000062%); highest among the groups gnomAD compares: South Asian, 0.0011%; no homozygotes.

Submission:

Ambry Genetics
Classification: Uncertain significance. Last evaluated: 2025-03-26. Review status: criteria provided, single submitter. Criteria: Ambry Variant Classification Scheme 2023. Collection method: clinical testing. Allele origin: germline.
Comment: The p.P1262R variant (also known as c.3785C>G), located in coding exon 14 of the CDK12 gene, results from a C to G substitution at nucleotide position 3785. The proline at codon 1262 is replaced by arginine, an amino acid with dissimilar properties. This amino acid position is conserved. In addition, the in silico prediction for this alteration is inconclusive. Based on the available evidence, the clinical significance of this variant remains unclear.